The following is an entry in ClinVar:

ClinVar aggregate classification (germline): Uncertain significance. Review status: criteria provided, multiple submitters, no conflicts (2 of 4 stars). 3 submissions from 3 submitters: Uncertain significance (3). Last evaluated 2024-12-10.

Conditions:
Inborn genetic diseases. Identifiers: MedGen C0950123, MeSH D030342.

Allele frequency attached by ClinVar (database versions not stated): gnomAD exomes below 0.00001.
gnomAD v4.1: 7 of 1,614,036 alleles (0.00043%); highest among the groups gnomAD compares: Non-Finnish European, 0.00042%; no homozygotes.

Submissions (3):

Women's Health and Genetics/Laboratory Corporation of America, LabCorp
Classification: Uncertain significance. Last evaluated: 2024-12-10. Review status: criteria provided, single submitter. Criteria: LabCorp Variant Classification Summary - May 2015. Collection method: clinical testing. Allele origin: germline.
Comment: Variant summary: SLC20A2 c.1067A>T (p.Asp356Val) results in a non-conservative amino acid change in the encoded protein sequence. Five of five in-silico tools predict a damaging effect of the variant on protein function. The variant was absent in 251430 control chromosomes. The available data on variant occurrences in the general population are insufficient to allow any conclusion about variant significance. To our knowledge, no occurrence of c.1067A>T in individuals affected with Idiopathic Basal Ganglia Calcification 1 and no experimental evidence demonstrating its impact on protein function have been reported. ClinVar contains an entry for this variant (Variation ID: 985994). Based on the evidence outlined above, the variant was classified as uncertain significance.

GeneDx
Classification: Uncertain significance. Last evaluated: 2023-11-13. Review status: criteria provided, single submitter. Criteria: GeneDx Variant Classification Process June 2021. Collection method: clinical testing. Allele origin: germline. Affected: yes.
Comment: Not observed at significant frequency in large population cohorts (gnomAD); In silico analysis supports that this missense variant does not alter protein structure/function; Has not been previously published as pathogenic or benign to our knowledge

Ambry Genetics
Classification: Uncertain significance for Inborn genetic diseases. Last evaluated: 2018-01-01. Review status: criteria provided, single submitter. Criteria: Ambry exome assertion method (8-5-2015). Collection method: clinical testing. Allele origin: germline. Affected: yes. Observed: 1 variant allele.

NM_001257180.2(SLC20A2):c.1067A>T (p.Asp356Val)

Gene: SLC20A2 (solute carrier family 20 member 2; minus strand). Cytogenetic location: 8p11.21.
Variant type: single nucleotide variant.
Coding change: c.1067A>T on transcript NM_001257180.2 (MANE Select); coding-DNA position 1067, A replaced by T.
Protein change: p.Asp356Val; replaces aspartic acid 356 with valine.
Molecular consequence: missense variant.
Genome position (GRCh38, 1-based): chr8:42,437,445, T>A on the plus strand (A>T on the coding strand, the complement: SLC20A2 is on the minus strand). VCF-style: chr8-42437445-T-A. GRCh37 (hg19) VCF-style: chr8-42294963-T-A.
Other names: c.1067A>T, p.Asp356Val (NM_001257181.2, NM_006749.5); c.1067A>T (NM_006749.4); short protein forms D356V.
Identifiers: ClinVar variation 985994 (VCV000985994.5), dbSNP rs1804370172, ClinGen allele CA371097482.